The following is an entry in ClinVar:

NM_022124.6(CDH23):c.214G>T (p.Glu72Ter)

Genes: CDH23 (cadherin related 23; plus strand), CDH23-AS1 (CDH23 antisense RNA 1; minus strand). Cytogenetic location: 10q22.1.
Variant type: single nucleotide variant.
Coding change: c.214G>T on transcript NM_022124.6 (MANE Select); coding-DNA position 214, G replaced by T.
Protein change: p.Glu72Ter; replaces glutamic acid 72 with a stop codon.
Molecular consequence: nonsense.
Genome position (GRCh38, 1-based): chr10:71,510,150, G>T. VCF-style: chr10-71510150-G-T. GRCh37 (hg19) VCF-style: chr10-73269907-G-T.
Other names: c.214G>T, p.Glu72Ter (NM_001171930.2, NM_001171931.2, NM_001171932.2 and 1 more transcripts); c.214G>T (NM_022124.5); short protein forms E72*.
Identifiers: ClinVar variation 1074713 (VCV001074713.8), dbSNP rs1228413559, ClinGen allele CA377114270.

ClinVar aggregate classification (germline): Pathogenic. Review status: criteria provided, multiple submitters, no conflicts (2 of 4 stars). 2 submissions from 2 submitters: Pathogenic (2). Last evaluated 2025-12-01.

Conditions:
Usher syndrome type 1 (USH1). Also called: RETINITIS PIGMENTOSA AND CONGENITAL DEAFNESS. Identifiers: Orphanet 231169, Orphanet 886, MedGen C1568247, MONDO:0010168, OMIM 276900.

Allele frequency attached by ClinVar (database versions not stated): TOPMed below 0.00001.

Submissions (2):

Natera, Inc.
Classification: Pathogenic for Usher syndrome type 1. Last evaluated: 2025-12-01. Review status: criteria provided, single submitter. Criteria: Natera Variant Classification Schema (03/2026). Collection method: clinical testing. Allele origin: germline.
Comment: The c.214G>T variant in CDH23 is a nonsense variant predicted to introduce a stop codon at amino acid 72. This variant is expected to result in nonsense mediated decay, truncation, or a dysfunctional protein product. This variant is rare in the general population with a frequency below the threshold expected for the associated phenotype(s). This variant has been observed in one or more individuals affected with the associated recessive disease, as either homozygous or compound heterozygous with a second variant (PMID: 28559085). Given the available evidence, this variant is classified as Pathogenic.

Labcorp Genetics (formerly Invitae), Labcorp
Classification: Pathogenic. Last evaluated: 2025-09-02. Review status: criteria provided, single submitter. Criteria: Invitae Variant Classification Sherloc (09022015). Collection method: clinical testing. Allele origin: germline.
Comment: This sequence change creates a premature translational stop signal (p.Glu72*) in the CDH23 gene. It is expected to result in an absent or disrupted protein product. Loss-of-function variants in CDH23 are known to be pathogenic (PMID: 11138009, 21940737). This variant is not present in population databases (gnomAD no frequency). This variant has not been reported in the literature in individuals affected with CDH23-related conditions. ClinVar contains an entry for this variant (Variation ID: 1074713). For these reasons, this variant has been classified as Pathogenic.

Literature cited by the submitters: PubMed 28559085 (cited by Natera, Inc.); PubMed 11138009 (cited by Labcorp Genetics (formerly Invitae), Labcorp); PubMed 21940737 (cited by Labcorp Genetics (formerly Invitae), Labcorp).